The following is an entry in ClinVar:

ClinVar aggregate classification (germline): Uncertain significance. Review status: criteria provided, multiple submitters, no conflicts (2 of 4 stars). 2 submissions from 2 submitters: Uncertain significance (2). Last evaluated 2025-04-02.

Allele frequency attached by ClinVar (database versions not stated): gnomAD 0.00002; TOPMed 0.00006; ExAC 0.00013.
gnomAD v4.1: 38 of 1,613,266 alleles (0.0024%); highest among the groups gnomAD compares: Admixed American, 0.063%; no homozygotes.

Submissions (2):

Ambry Genetics
Classification: Uncertain significance. Last evaluated: 2025-04-02. Review status: criteria provided, single submitter. Criteria: Ambry Variant Classification Scheme 2023. Collection method: clinical testing. Allele origin: germline.

Labcorp Genetics (formerly Invitae), Labcorp
Classification: Uncertain significance. Last evaluated: 2022-10-19. Review status: criteria provided, single submitter. Criteria: Invitae Variant Classification Sherloc (09022015). Collection method: clinical testing. Allele origin: germline.
Comment: This sequence change replaces glutamic acid, which is acidic and polar, with glutamine, which is neutral and polar, at codon 250 of the PITRM1 protein (p.Glu250Gln). In summary, the available evidence is currently insufficient to determine the role of this variant in disease. Therefore, it has been classified as a Variant of Uncertain Significance. Algorithms developed to predict the effect of missense changes on protein structure and function are either unavailable or do not agree on the potential impact of this missense change (SIFT: "Deleterious"; PolyPhen-2: "Benign"; Align-GVGD: "Class C0"). This variant has not been reported in the literature in individuals affected with PITRM1-related conditions. The frequency data for this variant in the population databases is considered unreliable, as metrics indicate poor data quality at this position in the gnomAD database.

NM_014889.4(PITRM1):c.844G>C (p.Glu282Gln)

Gene: PITRM1 (pitrilysin metallopeptidase 1; minus strand). Cytogenetic location: 10p15.2.
Variant type: single nucleotide variant.
Coding change: c.844G>C on transcript NM_014889.4 (MANE Select); coding-DNA position 844, G replaced by C.
Protein change: p.Glu282Gln; replaces glutamic acid 282 with glutamine.
Molecular consequence: missense variant. On other transcripts: 5 prime UTR variant (1), non-coding transcript variant (4).
Genome position (GRCh38, 1-based): chr10:3,160,278, C>G on the plus strand (G>C on the coding strand, the complement: PITRM1 is on the minus strand). VCF-style: chr10-3160278-C-G. GRCh37 (hg19) VCF-style: chr10-3202470-C-G.
Other names: c.844G>C, p.Glu282Gln (NM_001242307.2, NM_001347725.2); c.748G>C, p.Glu250Gln (NM_001242309.1); c.229G>C, p.Glu77Gln (NM_001347726.2, NM_001347727.2); c.-457G>C (NM_001347728.2); c.820G>C, p.Glu274Gln (NM_001347729.1, NM_001347730.1); c.844G>C (NM_001242307.1); short protein forms E250Q, E274Q, E282Q, E77Q.
Identifiers: ClinVar variation 2187200 (VCV002187200.5), dbSNP rs770681990, ClinGen allele CA5388063.